The following is an entry in ClinVar:

ClinVar aggregate classification (germline): Uncertain significance (1 of 4 stars; one submission).

Submission:

Labcorp Genetics (formerly Invitae), Labcorp
Classification: Uncertain significance. Last evaluated: 2024-12-02. Review status: criteria provided, single submitter. Criteria: Invitae Variant Classification Sherloc (09022015). Collection method: clinical testing. Allele origin: germline.
Comment: This sequence change replaces proline, which is neutral and non-polar, with leucine, which is neutral and non-polar, at codon 251 of the FZD4 protein (p.Pro251Leu). This variant is not present in population databases (gnomAD no frequency). This variant has not been reported in the literature in individuals affected with FZD4-related conditions. Invitae Evidence Modeling of protein sequence and biophysical properties (such as structural, functional, and spatial information, amino acid conservation, physicochemical variation, residue mobility, and thermodynamic stability) has been performed for this missense variant. However, the output from this modeling did not meet the statistical confidence thresholds required to predict the impact of this variant on FZD4 protein function. In summary, the available evidence is currently insufficient to determine the role of this variant in disease. Therefore, it has been classified as a Variant of Uncertain Significance.

NM_012193.4(FZD4):c.752C>T (p.Pro251Leu)

Genes: FZD4 (frizzled class receptor 4; minus strand), PRSS23 (serine protease 23; plus strand). Cytogenetic location: 11q14.2.
Variant type: single nucleotide variant.
Coding change: c.752C>T on transcript NM_012193.4 (MANE Select); coding-DNA position 752, C replaced by T.
Protein change: p.Pro251Leu; replaces proline 251 with leucine.
Molecular consequence: missense variant. On other transcripts: non-coding transcript variant (2).
Genome position (GRCh38, 1-based): chr11:86,952,004, G>A on the plus strand (C>T on the coding strand, the complement: FZD4 is on the minus strand). VCF-style: chr11-86952004-G-A. GRCh37 (hg19) VCF-style: chr11-86663046-G-A.
Other names: short protein forms P251L.
Identifiers: ClinVar variation 3668157 (VCV003668157.2).
Genomic context (GRCh38, chr11:86,952,004, plus strand): 5'-ACAATATAAGCAATGCTATAAATATTATAGCACATACTGAGAAATATGATGGGGCGCTCA[G>A]GGTAGGAAAACCTAGAAGAATCGATCAGGAAGGTCAGTACTGTGAAGGCAGTGGAGATGA-3'
Protein context (NP_036325.2, residues 241-261): FLIDSSRFSY[Pro251Leu]ERPIIFLSMC